The following is an entry in ClinVar:

NM_000168.6(GLI3):c.3804C>T (p.Leu1268=)

Gene: GLI3 (GLI family zinc finger 3; minus strand). Cytogenetic location: 7p14.1.
Variant type: single nucleotide variant.
Coding change: c.3804C>T on transcript NM_000168.6 (MANE Select); coding-DNA position 3804, C replaced by T.
Protein change: p.Leu1268=; no amino-acid change (leucine 1268 retained).
Molecular consequence: synonymous variant.
Genome position (GRCh38, 1-based): chr7:41,965,269, G>A on the plus strand (C>T on the coding strand, the complement: GLI3 is on the minus strand). VCF-style: chr7-41965269-G-A. GRCh37 (hg19) VCF-style: chr7-42004867-G-A.
Identifiers: ClinVar variation 528808 (VCV000528808.12), dbSNP rs373193430, ClinGen allele CA156903249.

ClinVar aggregate classification (germline): Likely benign. Review status: criteria provided, single submitter (1 of 4 stars). 2 submissions from 2 submitters: Likely benign (1). 1 of the submissions does not count toward it. Last evaluated 2022-07-19.

Conditions:
GLI3-related disorder. Also called: GLI3-related condition; GLI3-related disorders. Identifiers: MedGen CN239292.
Pallister-Hall syndrome (PHS). Also called: GLI3-Related Pallister-Hall Syndrome; HYPOTHALAMIC HAMARTOBLASTOMA, HYPOPITUITARISM, IMPERFORATE ANUS, AND POSTAXIAL POLYDACTYLY. Identifiers: Orphanet 672, MedGen C0265220, MONDO:0007804, OMIM 146510.
Greig cephalopolysyndactyly syndrome (GCPS). Also called: GLI3-Related Greig Cephalopolysyndactyly Syndrome; POLYSYNDACTYLY WITH PECULIAR SKULL SHAPE; Greig syndrome. Identifiers: Orphanet 380, MedGen C0265306, MONDO:0008287, OMIM 175700.

Allele frequency attached by ClinVar (database versions not stated): TOPMed 0.00001; gnomAD 0.00003.
gnomAD v4.1: 32 of 1,613,488 alleles (0.002%); highest among the groups gnomAD compares: African/African-American, 0.0027%; no homozygotes.

Submissions (2):

Labcorp Genetics (formerly Invitae), Labcorp
Classification: Likely benign for Pallister-Hall syndrome; Greig cephalopolysyndactyly syndrome. Last evaluated: 2022-07-19. Review status: criteria provided, single submitter. Criteria: Invitae Variant Classification Sherloc (09022015). Collection method: clinical testing. Allele origin: germline.

PreventionGenetics, part of Exact Sciences
Classification: Likely benign for GLI3-related condition. Last evaluated: 2021-09-08. Review status: no assertion criteria provided. Collection method: clinical testing. Allele origin: germline. Not counted in ClinVar's aggregate classification.
Comment: This variant is classified as likely benign based on ACMG/AMP sequence variant interpretation guidelines (Richards et al. 2015 PMID: 25741868, with internal and published modifications).